The following is an entry in ClinVar:

ClinVar aggregate classification (germline): Uncertain significance (1 of 4 stars; one submission).

Conditions:
Autosomal dominant nocturnal frontal lobe epilepsy 5. Also called: Epilepsy, nocturnal frontal lobe, 5; CILIARY DYSKINESIA, PRIMARY, 28, WITHOUT SITUS INVERSUS; CILIARY DYSKINESIA, PRIMARY, 28, WITH SITUS INVERSUS; KCNT1-Related Epilepsy. Identifiers: Orphanet 98784, MedGen C3554306, MONDO:0014002, OMIM 615005.
Developmental and epileptic encephalopathy, 14 (DEE14). Also called: Early infantile epileptic encephalopathy 14. Identifiers: Orphanet 293181, MedGen C3554195, MONDO:0013989, OMIM 614959.

Allele frequency attached by ClinVar (database versions not stated): TOPMed below 0.00001.
gnomAD v4.1: 5 of 1,605,796 alleles (0.00031%); highest among the groups gnomAD compares: East Asian, 0.0022%; no homozygotes.

Submission:

Labcorp Genetics (formerly Invitae), Labcorp
Classification: Uncertain significance for Autosomal dominant nocturnal frontal lobe epilepsy 5; Developmental and epileptic encephalopathy, 14. Last evaluated: 2023-01-31. Review status: criteria provided, single submitter. Criteria: Invitae Variant Classification Sherloc (09022015). Collection method: clinical testing. Allele origin: germline.
Comment: In summary, the available evidence is currently insufficient to determine the role of this variant in disease. Therefore, it has been classified as a Variant of Uncertain Significance. Advanced modeling of protein sequence and biophysical properties (such as structural, functional, and spatial information, amino acid conservation, physicochemical variation, residue mobility, and thermodynamic stability) performed at Invitae indicates that this missense variant is not expected to disrupt KCNT1 protein function. This variant has not been reported in the literature in individuals affected with KCNT1-related conditions. This variant is present in population databases (no rsID available, gnomAD 0.0009%). This sequence change replaces glutamic acid, which is acidic and polar, with aspartic acid, which is acidic and polar, at codon 1232 of the KCNT1 protein (p.Glu1232Asp).

NM_020822.3(KCNT1):c.3696G>C (p.Glu1232Asp)

Gene: KCNT1 (potassium sodium-activated channel subfamily T member 1; plus strand). Cytogenetic location: 9q34.3.
Variant type: single nucleotide variant.
Coding change: c.3696G>C on transcript NM_020822.3 (MANE Select); coding-DNA position 3696, G replaced by C.
Protein change: p.Glu1232Asp; replaces glutamic acid 1232 with aspartic acid.
Molecular consequence: missense variant.
Genome position (GRCh38, 1-based): chr9:135,792,149, G>C. VCF-style: chr9-135792149-G-C. GRCh37 (hg19) VCF-style: chr9-138683995-G-C.
Other names: c.3624G>C, p.Glu1208Asp (NM_001272003.2); short protein forms E1232D, E1208D.
Identifiers: ClinVar variation 2934142 (VCV002934142.3), dbSNP rs1188857264, ClinGen allele CA375494542.